The following is an entry in ClinVar:

NM_004370.6(COL12A1):c.403G>T (p.Val135Phe)

Gene: COL12A1 (collagen type XII alpha 1 chain; minus strand). Cytogenetic location: 6q13.
Variant type: single nucleotide variant.
Coding change: c.403G>T on transcript NM_004370.6 (MANE Select); coding-DNA position 403, G replaced by T.
Protein change: p.Val135Phe; replaces valine 135 with phenylalanine.
Molecular consequence: missense variant. On other transcripts: intron variant (1).
Genome position (GRCh38, 1-based): chr6:75,189,807, C>A on the plus strand (G>T on the coding strand, the complement: COL12A1 is on the minus strand). VCF-style: chr6-75189807-C-A. GRCh37 (hg19) VCF-style: chr6-75899523-C-A.
Other names: c.73+12913G>T (NM_080645.3); short protein forms V135F.
Identifiers: ClinVar variation 659300 (VCV000659300.9), dbSNP rs377551270, ClinGen allele CA3894431.
Genomic context (GRCh38, chr6:75,189,807, plus strand): 5'-TATTTCTTCCCACACTCCAAGAGCCATCCACGAGGAAAACCAAATCAGTCCAGGCACTGA[C>A]AGAGCATTCTGAAATACATTTGATATCTTTTTAAATGATGCTTTATTAAATCAACTCATC-3'
Protein context (NP_004361.3, residues 125-145): PGKTEIQKCS[Val135Phe]SAWTDLVFLV

ClinVar aggregate classification (germline): Uncertain significance (1 of 4 stars; one submission).

Conditions:
Ullrich congenital muscular dystrophy 2 (UCMD2). Identifiers: Orphanet 75840, MedGen C4225314, MONDO:0014654, OMIM 616470.
Bethlem myopathy 2 (BTHLM2). Identifiers: Orphanet 536516, Orphanet 610, MedGen C4225313, MONDO:0034022, OMIM 616471.

Allele frequency attached by ClinVar (database versions not stated): gnomAD exomes 0.00001; 1000 Genomes Project 30x 0.00016; 1000 Genomes Project 0.00020; gnomAD 0.00001; ExAC 0.00002; ESP Exome Variant Server 0.00008.
gnomAD v4.1: 21 of 1,611,898 alleles (0.0013%); highest among the groups gnomAD compares: Non-Finnish European, 0.0016%; no homozygotes.

Submission:

Labcorp Genetics (formerly Invitae), Labcorp
Classification: Uncertain significance for Bethlem myopathy 2; Ullrich congenital muscular dystrophy 2. Last evaluated: 2025-10-02. Review status: criteria provided, single submitter. Criteria: Invitae Variant Classification Sherloc (09022015). Collection method: clinical testing. Allele origin: germline.
Comment: This sequence change replaces valine, which is neutral and non-polar, with phenylalanine, which is neutral and non-polar, at codon 135 of the COL12A1 protein (p.Val135Phe). This variant is present in population databases (rs377551270, gnomAD 0.004%). This variant has not been reported in the literature in individuals affected with COL12A1-related conditions. ClinVar contains an entry for this variant (Variation ID: 659300). Invitae Evidence Modeling of protein sequence and biophysical properties (such as structural, functional, and spatial information, amino acid conservation, physicochemical variation, residue mobility, and thermodynamic stability) indicates that this missense variant is not expected to disrupt COL12A1 protein function with a negative predictive value of 80%. In summary, the available evidence is currently insufficient to determine the role of this variant in disease. Therefore, it has been classified as a Variant of Uncertain Significance.